The following is an entry in ClinVar:

ClinVar aggregate classification (germline): Likely benign. Review status: criteria provided, multiple submitters, no conflicts (2 of 4 stars). 2 submissions from 2 submitters: Likely benign (2). Last evaluated 2026-05-01.

Allele frequency attached by ClinVar (database versions not stated): gnomAD exomes 0.00001; ExAC 0.00006; gnomAD 0.00007; TOPMed 0.00010.
gnomAD v4.1: 36 of 1,613,640 alleles (0.0022%); highest among the groups gnomAD compares: Admixed American, 0.038%; no homozygotes.

Submissions (2):

CeGaT Center for Human Genetics Tuebingen
Classification: Likely benign. Last evaluated: 2026-05-01. Review status: criteria provided, single submitter. Criteria: CeGaT Center For Human Genetics Tuebingen Variant Classification Criteria Version 2. Collection method: clinical testing. Allele origin: germline. Affected: yes. Observed: 1 variant allele.
Comment: PIK3C2A: BP4, BP7

Labcorp Genetics (formerly Invitae), Labcorp
Classification: Likely benign. Last evaluated: 2025-02-03. Review status: criteria provided, single submitter. Criteria: Invitae Variant Classification Sherloc (09022015). Collection method: clinical testing. Allele origin: germline.

NM_002645.4(PIK3C2A):c.753A>G (p.Ser251=)

Gene: PIK3C2A (phosphatidylinositol-4-phosphate 3-kinase catalytic subunit type 2 alpha; minus strand). Cytogenetic location: 11p15.1.
Variant type: single nucleotide variant.
Coding change: c.753A>G on transcript NM_002645.4 (MANE Select); coding-DNA position 753, A replaced by G.
Protein change: p.Ser251=; no amino-acid change (serine 251 retained).
Molecular consequence: synonymous variant. On other transcripts: intron variant (1).
Genome position (GRCh38, 1-based): chr11:17,168,989, T>C on the plus strand (A>G on the coding strand, the complement: PIK3C2A is on the minus strand). VCF-style: chr11-17168989-T-C. GRCh37 (hg19) VCF-style: chr11-17190536-T-C.
Other names: c.753A>G, p.Ser251= (NM_001321378.2, NM_001386870.1); c.-75-13360A>G (NM_001321380.2).
Identifiers: ClinVar variation 2200641 (VCV002200641.6), dbSNP rs775560762, ClinGen allele CA5901512.